The following is an entry in ClinVar:

NM_001040108.2(MLH3):c.180G>A (p.Gly60=)

Gene: MLH3 (mutL homolog 3; minus strand). Cytogenetic location: 14q24.3.
Variant type: single nucleotide variant.
Coding change: c.180G>A on transcript NM_001040108.2 (MANE Select); coding-DNA position 180, G replaced by A.
Protein change: p.Gly60=; no amino-acid change (glycine 60 retained).
Molecular consequence: synonymous variant.
Genome position (GRCh38, 1-based): chr14:75,049,476, C>T on the plus strand (G>A on the coding strand, the complement: MLH3 is on the minus strand). VCF-style: chr14-75049476-C-T. GRCh37 (hg19) VCF-style: chr14-75516179-C-T.
Other names: c.180G>A, p.Gly60= (NM_014381.3).
Identifiers: ClinVar variation 1780557 (VCV001780557.6), dbSNP rs771857411, ClinGen allele CA7276082.

ClinVar aggregate classification (germline): Benign/Likely benign. Review status: criteria provided, multiple submitters, no conflicts (2 of 4 stars). 3 submissions from 3 submitters: Benign (1); Likely benign (2). Last evaluated 2026-09-18.

Conditions:
Colorectal cancer, hereditary nonpolyposis, type 7. Identifiers: Orphanet 144, MedGen C1858380, MONDO:0013725, OMIM 614385.

Allele frequency attached by ClinVar (database versions not stated): ExAC 0.00002; gnomAD exomes below 0.00001.
gnomAD v4.1: 3 of 1,614,200 alleles (0.00019%); highest among the groups gnomAD compares: Admixed American, 0.0017%; no homozygotes.

Submissions (3):

Myriad Genetics, Inc.
Classification: Benign for Colorectal cancer, hereditary nonpolyposis, type 7. Last evaluated: 2026-09-18. Review status: criteria provided, single submitter. Criteria: Myriad Autosomal Dominant, Autosomal Recessive and X-Linked Classification Criteria (2023). Collection method: clinical testing. Allele origin: unknown.
Comment: This variant is considered benign. This variant is a silent/synonymous amino acid change and it is not expected to impact splicing.

Labcorp Genetics (formerly Invitae), Labcorp
Classification: Likely benign for Colorectal cancer, hereditary nonpolyposis, type 7. Last evaluated: 2025-07-07. Review status: criteria provided, single submitter. Criteria: Invitae Variant Classification Sherloc (09022015). Collection method: clinical testing. Allele origin: germline.

Ambry Genetics
Classification: Likely benign. Last evaluated: 2020-01-13. Review status: criteria provided, single submitter. Criteria: Ambry Variant Classification Scheme 2023. Collection method: clinical testing. Allele origin: germline.